The following is an entry in ClinVar:

ClinVar aggregate classification (germline): Uncertain significance. Review status: criteria provided, multiple submitters, no conflicts (2 of 4 stars). 4 submissions from 4 submitters: Uncertain significance (4). Last evaluated 2025-03-07.

Conditions:
Xeroderma pigmentosum, group F (XPF). Also called: XERODERMA PIGMENTOSUM, TYPE F; Xeroderma pigmentosum, type 6; XERODERMA PIGMENTOSUM, COMPLEMENTATION GROUP F; XERODERMA PIGMENTOSUM VI; XP, GROUP F; ERCC4-Related Xeroderma Pigmentosum. Identifiers: MedGen C0268140, MONDO:0010215, OMIM 278760.
Fanconi anemia complementation group Q. Identifiers: Orphanet 84, MedGen C3808988, MONDO:0014108, OMIM 615272.
Cockayne syndrome. Identifiers: Orphanet 191, MedGen C0009207, MONDO:0016006.
Xeroderma pigmentosum (XP). Identifiers: Orphanet 910, MedGen C0043346, MONDO:0019600.

Allele frequency attached by ClinVar (database versions not stated): ExAC 0.00003; gnomAD 0.00005; TOPMed 0.00006; ESP Exome Variant Server 0.00008.
gnomAD v4.1: 98 of 1,614,078 alleles (0.0061%); highest among the groups gnomAD compares: Non-Finnish European, 0.0072%; no homozygotes.

Submissions (4):

Women's Health and Genetics/Laboratory Corporation of America, LabCorp
Classification: Uncertain significance. Last evaluated: 2025-03-07. Review status: criteria provided, single submitter. Criteria: LabCorp Variant Classification Summary - May 2015. Collection method: clinical testing. Allele origin: germline.
Comment: Variant summary: ERCC4 c.2125G>A (p.Val709Met) results in a conservative amino acid change in the encoded protein sequence. Three of five in-silico tools predict a damaging effect of the variant on protein function. The variant allele was found at a frequency of 3.2e-05 in 251444 control chromosomes. The available data on variant occurrences in the general population are insufficient to allow any conclusion about variant significance. c.2125G>A has been reported in the literature in at-least one individual affected with Head and neck squamous cell carcinoma (example: Chandrasekharappa_2017). These report(s) do not provide unequivocal conclusions about association of the variant with Xeroderma Pigmentosum. To our knowledge, no experimental evidence demonstrating an impact on protein function has been reported. The following publication has been ascertained in the context of this evaluation (PMID: 28678401). ClinVar contains an entry for this variant (Variation ID: 474203). Based on the evidence outlined above, the variant was classified as uncertain significance.

Labcorp Genetics (formerly Invitae), Labcorp
Classification: Uncertain significance for Fanconi anemia complementation group Q; Xeroderma pigmentosum, group F; Cockayne syndrome. Last evaluated: 2022-03-15. Review status: criteria provided, single submitter. Criteria: Invitae Variant Classification Sherloc (09022015). Collection method: clinical testing. Allele origin: germline.
Comment: This sequence change replaces valine, which is neutral and non-polar, with methionine, which is neutral and non-polar, at codon 709 of the ERCC4 protein (p.Val709Met). This variant is present in population databases (rs373906926, gnomAD 0.006%). This missense change has been observed in individual(s) with head and neck squamous cell carcinoma (PMID: 28678401). ClinVar contains an entry for this variant (Variation ID: 474203). Algorithms developed to predict the effect of missense changes on protein structure and function are either unavailable or do not agree on the potential impact of this missense change (SIFT: "Deleterious"; PolyPhen-2: "Probably Damaging"; Align-GVGD: "Class C0"). In summary, the available evidence is currently insufficient to determine the role of this variant in disease. Therefore, it has been classified as a Variant of Uncertain Significance.

Sema4
Classification: Uncertain significance for Xeroderma pigmentosum. Last evaluated: 2021-12-22. Review status: criteria provided, single submitter. Criteria: Sema4 Curation Guidelines. Collection method: curation. Allele origin: germline.
Comment: The ERCC4 c.2125G>A (p.V709M)) variant has been reported in heterozygosity in at least one individual with head and neck squamous cell carcinoma (PMID: 28678401). It was observed in 9/282840 chromosomes in the large and broad cohorts of the Genome Aggregation Database (PMID: 32461654). This variant has been reported in ClinVar (Variation ID: 474203). Functional studies have not been performed, and in silico predictions of the variant's effect on protein function are inconclusive. The evidence is insufficient to meet ACMG/AMP criteria for classifying the variant as benign or pathogenic. Thus, the clinical significance of this variant is currently uncertain.

Genetic Services Laboratory, University of Chicago
Classification: Uncertain significance. Last evaluated: 2019-11-20. Review status: criteria provided, single submitter. Criteria: ACMG Guidelines, 2015. Collection method: clinical testing. Allele origin: germline. Affected: no.

Literature cited by the submitters: PubMed 28678401 (cited by 3 submitters).

NM_005236.3(ERCC4):c.2125G>A (p.Val709Met)

Gene: ERCC4 (ERCC excision repair 4, endonuclease catalytic subunit; plus strand). Cytogenetic location: 16p13.12.
Variant type: single nucleotide variant.
Coding change: c.2125G>A on transcript NM_005236.3 (MANE Select); coding-DNA position 2125, G replaced by A.
Protein change: p.Val709Met; replaces valine 709 with methionine.
Molecular consequence: missense variant.
Genome position (GRCh38, 1-based): chr16:13,947,721, G>A. VCF-style: chr16-13947721-G-A. GRCh37 (hg19) VCF-style: chr16-14041578-G-A.
Other names: short protein forms V709M.
Identifiers: ClinVar variation 474203 (VCV000474203.10), dbSNP rs373906926, ClinGen allele CA7910685.